The following is an entry in ClinVar:

NM_014014.5(SNRNP200):c.1348C>G (p.Leu450Val)

Gene: SNRNP200 (small nuclear ribonucleoprotein U5 subunit 200; minus strand). Cytogenetic location: 2q11.2.
Variant type: single nucleotide variant.
Coding change: c.1348C>G on transcript NM_014014.5 (MANE Select); coding-DNA position 1348, C replaced by G.
Protein change: p.Leu450Val; replaces leucine 450 with valine.
Molecular consequence: missense variant.
Genome position (GRCh38, 1-based): chr2:96,297,392, G>C on the plus strand (C>G on the coding strand, the complement: SNRNP200 is on the minus strand). VCF-style: chr2-96297392-G-C. GRCh37 (hg19) VCF-style: chr2-96963130-G-C.
Other names: short protein forms L450V.
Identifiers: ClinVar variation 2578863 (VCV002578863.25), dbSNP rs2467349817, ClinGen allele CA347683128.

ClinVar aggregate classification (germline): Uncertain significance (1 of 4 stars; one submission).

Submission:

CeGaT Center for Human Genetics Tuebingen
Classification: Uncertain significance. Last evaluated: 2023-08-01. Review status: criteria provided, single submitter. Criteria: CeGaT Center For Human Genetics Tuebingen Variant Classification Criteria Version 2. Collection method: clinical testing. Allele origin: germline. Affected: yes. Observed: 1 variant allele.
Comment: SNRNP200: PM2, PP4